The following is an entry in ClinVar:

ClinVar aggregate classification (germline): Uncertain significance (1 of 4 stars; one submission).

Conditions:
Galactosylceramide beta-galactosidase deficiency. Also called: Leukodystrophy, Globoid Cell; Krabbe Disease; GALACTOCEREBROSIDASE DEFICIENCY; GALC DEFICIENCY; GLOBOID CELL LEUKOENCEPHALOPATHY. Identifiers: Orphanet 487, MedGen C0023521, MONDO:0009499, OMIM 245200.

Submission:

Labcorp Genetics (formerly Invitae), Labcorp
Classification: Uncertain significance for Galactosylceramide beta-galactosidase deficiency. Last evaluated: 2024-01-05. Review status: criteria provided, single submitter. Criteria: Invitae Variant Classification Sherloc (09022015). Collection method: clinical testing. Allele origin: germline.
Comment: This sequence change falls in intron 13 of the GALC gene. It does not directly change the encoded amino acid sequence of the GALC protein. It affects a nucleotide within the consensus splice site. This variant is not present in population databases (gnomAD no frequency). This variant has not been reported in the literature in individuals affected with GALC-related conditions. Variants that disrupt the consensus splice site are a relatively common cause of aberrant splicing (PMID: 17576681, 9536098). Algorithms developed to predict the effect of sequence changes on RNA splicing suggest that this variant is not likely to affect RNA splicing. In summary, the available evidence is currently insufficient to determine the role of this variant in disease. Therefore, it has been classified as a Variant of Uncertain Significance.

Literature cited by the submitters: PubMed 17576681; PubMed 9536098.

NM_000153.4(GALC):c.1489+6T>G

Gene: GALC (galactosylceramidase; minus strand). Cytogenetic location: 14q31.3.
Variant type: single nucleotide variant.
Coding change: c.1489+6T>G on transcript NM_000153.4 (MANE Select); 6 bases into the intron after coding-DNA position 1489, T replaced by G.
Molecular consequence: intron variant.
Genome position (GRCh38, 1-based): chr14:87,947,722, A>C on the plus strand (T>G on the coding strand, the complement: GALC is on the minus strand). VCF-style: chr14-87947722-A-C. GRCh37 (hg19) VCF-style: chr14-88414066-A-C.
Other names: c.856+6T>G (NM_001424076.1, NM_001424077.1); c.1411+6T>G (NM_001201402.2); c.1420+6T>G (NM_001201401.2); c.1141+6T>G (NM_001424075.1, NM_001424074.1); c.1321+6T>G (NM_001424072.1, NM_001424073.1, NM_001424071.1).
Identifiers: ClinVar variation 2699754 (VCV002699754.3), dbSNP rs2503362248, ClinGen allele CA2697554075.